The following is an entry in ClinVar:

NC_000016.9:g.(?_46694384)_(46782105_?)del

Genes: MYLK3 (myosin light chain kinase 3; minus strand), ORC6 (origin recognition complex subunit 6; plus strand), VPS35 (VPS35 retromer complex component; minus strand). Cytogenetic location: 16q11.2.
Variant type: Deletion.
Identifiers: ClinVar variation 2427588 (VCV002427588.3).

ClinVar aggregate classification (germline): Uncertain significance (1 of 4 stars; one submission).

Submission:

Labcorp Genetics (formerly Invitae), Labcorp
Classification: Uncertain significance. Last evaluated: 2022-07-13. Review status: criteria provided, single submitter. Criteria: Invitae Variant Classification Sherloc (09022015). Collection method: clinical testing. Allele origin: germline.
Comment: A gross deletion of the genomic region encompassing the full coding sequence of the MYLK3 gene has been identified. The current clinical and genetic evidence is not sufficient to establish whether loss-of-function variants in MYLK3 cause disease. The boundaries of this event are unknown as they extend beyond the assayed region for this gene and therefore may encompass additional genes. This variant has not been reported in the literature in individuals affected with MYLK3-related conditions. In summary, the available evidence is currently insufficient to determine the role of this variant in disease. Therefore, it has been classified as a Variant of Uncertain Significance.